The following is an entry in ClinVar:

ClinVar aggregate classification (germline): Pathogenic (1 of 4 stars; one submission).

Conditions:
Irido-corneo-trabecular dysgenesis (ASGD5). Also called: ANTERIOR SEGMENT DYSGENESIS 5. Identifiers: MedGen C0344559, MONDO:0011414, OMIM 604229, HP:0000659, Orphanet 708.
Aniridia 1 (AN1). Identifiers: Orphanet 250923, MedGen C0344542, MONDO:0024507, OMIM 106210.

Submission:

Labcorp Genetics (formerly Invitae), Labcorp
Classification: Pathogenic for Aniridia 1; Irido-corneo-trabecular dysgenesis. Last evaluated: 2019-09-02. Review status: criteria provided, single submitter. Criteria: Invitae Variant Classification Sherloc (09022015). Collection method: clinical testing. Allele origin: germline.
Comment: This sequence change creates a premature translational stop signal (p.Ala328Argfs*35) in the PAX6 gene. It is expected to result in an absent or disrupted protein product. This variant is not present in population databases (ExAC no frequency). This variant has not been reported in the literature in individuals with PAX6-related conditions. Loss-of-function variants in PAX6 are known to be pathogenic (PMID: 12634864). For these reasons, this variant has been classified as Pathogenic.

Literature cited by the submitters: PubMed 12634864.

NM_001368894.2(PAX6):c.1024_1030del (p.Ala342fs)

Gene: PAX6 (paired box 6; minus strand). Cytogenetic location: 11p13.
Variant type: Deletion.
Coding change: c.1024_1030del on transcript NM_001368894.2 (MANE Select); coding-DNA positions 1024 to 1030, 7 bases deleted (GCTCTGC; older notation c.1024_1030delGCTCTGC).
Protein change: p.Ala342fs; shifts the reading frame from alanine 342.
Molecular consequence: frameshift variant. On other transcripts: non-coding transcript variant (2).
Genome position (GRCh38, 1-based): chr11:31,793,482-31,793,488, GCAGAGC deleted on the plus strand (GCTCTGC on the coding strand, the reverse complement: PAX6 is on the minus strand); deleting any 7 consecutive bases within chr11:31,793,482-31,793,490 gives the same sequence; the c. name uses the placement nearest the transcript's 3' end. VCF-style (leftmost placement, unchanged base first): chr11-31793481-GGCAGAGC-G. GRCh37 (hg19) VCF-style: chr11-31815029-GGCAGAGC-G.
Other names: c.823_829del, p.Ala275fs (NM_001368921.2, NM_001368922.2, NM_001368923.2 and 4 more transcripts); c.781_787del, p.Ala261fs (NM_001368928.2); c.574_580del, p.Ala192fs (NM_001368929.2, NM_001310160.2, NM_001310161.3 and 11 more transcripts); c.379_385del, p.Ala127fs (NM_001368930.2); c.1024_1030del, p.Ala342fs (NM_001604.6, NM_001258462.3, NM_001258463.2 and 6 more transcripts); c.982_988del, p.Ala328fs (NM_000280.6, NM_001127612.3, NM_001258464.2 and 10 more transcripts); c.1225_1231del, p.Ala409fs (NM_001368910.2); c.1027_1033del, p.Ala343fs (NM_001368911.2); and 2 more; short protein forms A328fs, A342fs, A367fs, A192fs, A409fs, A275fs, A127fs, A261fs.
Identifiers: ClinVar variation 943112 (VCV000943112.4), dbSNP rs1950522383, ClinGen allele CA1139661881.